The following is an entry in ClinVar:

NM_024675.4(PALB2):c.1525G>C (p.Gly509Arg)

Gene: PALB2 (partner and localizer of BRCA2; minus strand). Cytogenetic location: 16p12.2.
Variant type: single nucleotide variant.
Coding change: c.1525G>C on transcript NM_024675.4 (MANE Select); coding-DNA position 1525, G replaced by C.
Protein change: p.Gly509Arg; replaces glycine 509 with arginine.
Molecular consequence: missense variant.
Genome position (GRCh38, 1-based): chr16:23,635,021, C>G on the plus strand (G>C on the coding strand, the complement: PALB2 is on the minus strand). VCF-style: chr16-23635021-C-G. GRCh37 (hg19) VCF-style: chr16-23646342-C-G.
Other names: short protein forms G509R.
Identifiers: ClinVar variation 642132 (VCV000642132.9), dbSNP rs1567220815, ClinGen allele CA395130958.

ClinVar aggregate classification (germline): Uncertain significance (1 of 4 stars; one submission).

Conditions:
Familial cancer of breast. Also called: hereditary breast carcinoma; BREAST CANCER, FAMILIAL; Hereditary breast cancer. Identifiers: Orphanet 227535, MedGen C0346153, MONDO:0016419, OMIM 114480. Disease mechanism: loss of function.

Submission:

Labcorp Genetics (formerly Invitae), Labcorp
Classification: Uncertain significance for Familial cancer of breast. Last evaluated: 2022-08-23. Review status: criteria provided, single submitter. Criteria: Invitae Variant Classification Sherloc (09022015). Collection method: clinical testing. Allele origin: germline.
Comment: In summary, the available evidence is currently insufficient to determine the role of this variant in disease. Therefore, it has been classified as a Variant of Uncertain Significance. Algorithms developed to predict the effect of missense changes on protein structure and function (SIFT, PolyPhen-2, Align-GVGD) all suggest that this variant is likely to be tolerated. ClinVar contains an entry for this variant (Variation ID: 642132). This variant has not been reported in the literature in individuals affected with PALB2-related conditions. This variant is not present in population databases (gnomAD no frequency). This sequence change replaces glycine, which is neutral and non-polar, with arginine, which is basic and polar, at codon 509 of the PALB2 protein (p.Gly509Arg).